The following is an entry in ClinVar:

ClinVar aggregate classification (germline): Likely benign. Review status: criteria provided, multiple submitters, no conflicts (2 of 4 stars). 3 submissions from 3 submitters: Likely benign (2). 1 of the submissions does not count toward it. Last evaluated 2026-01-26.

Conditions:
CHRNE-related disorder. Also called: CHRNE-related condition.
Congenital myasthenic syndrome 4A. Also called: Myasthenic syndrome, congenital, 4a, slow-channel; MYASTHENIC SYNDROME, CONGENITAL, 4A, SLOW-CHANNEL, AUTOSOMAL RECESSIVE; CONGENITAL MYASTHENIC SYNDROME TYPE Ia1. Identifiers: Orphanet 590, MedGen C4225413, MONDO:0011600, OMIM 605809.

Submissions (3):

Labcorp Genetics (formerly Invitae), Labcorp
Classification: Likely benign for Congenital myasthenic syndrome 4A. Last evaluated: 2026-01-26. Review status: criteria provided, single submitter. Criteria: Invitae Variant Classification Sherloc (09022015). Collection method: clinical testing. Allele origin: germline.

Eurofins Ntd Llc (ga)
Classification: Likely benign. Last evaluated: 2017-12-26. Review status: criteria provided, single submitter. Criteria: EGL Classification Definitions 2015. Collection method: clinical testing. Allele origin: germline. Observed: 1 variant allele, 1 heterozygote.

PreventionGenetics, part of Exact Sciences
Classification: Likely benign for CHRNE-related condition. Last evaluated: 2024-02-12. Review status: no assertion criteria provided. Collection method: clinical testing. Allele origin: germline. Not counted in ClinVar's aggregate classification.
Comment: This variant is classified as likely benign based on ACMG/AMP sequence variant interpretation guidelines (Richards et al. 2015 PMID: 25741868, with internal and published modifications).

NM_000080.4(CHRNE):c.1033-8_1033-3dup

Genes: CHRNE (cholinergic receptor nicotinic epsilon subunit; minus strand), LOC130060041 (ATAC-STARR-seq lymphoblastoid silent region 8050; plus strand). Cytogenetic location: 17p13.2.
Variant type: Duplication.
Coding change: c.1033-8_1033-3dup on transcript NM_000080.4 (MANE Select); 8 bases into the intron before coding-DNA position 1033 through 3 bases into the intron before coding-DNA position 1033, 6 bases duplicated (TGCCCC; older notation c.1033-8_1033-3dupTGCCCC).
Molecular consequence: intron variant.
Genome position (GRCh38, 1-based): chr17:4,899,387-4,899,392, GGGGCA duplicated on the plus strand (TGCCCC on the coding strand, the reverse complement: CHRNE is on the minus strand); duplicating any 6 consecutive bases within chr17:4,899,387-4,899,397 gives the same sequence; the c. name uses the placement nearest the transcript's 3' end. VCF-style (leftmost placement, unchanged base first): chr17-4899386-T-TGGGGCA. GRCh37 (hg19) VCF-style: chr17-4802681-T-TGGGGCA.
Other names: c.1033-8_1033-3dupTGCCCC (NM_000080.3).
Identifiers: ClinVar variation 465850 (VCV000465850.16), dbSNP rs761361955, ClinGen allele CA8314045.